The following is an entry in ClinVar:

ClinVar aggregate classification (germline): Uncertain significance (1 of 4 stars; one submission).

Conditions:
Hypertrophic cardiomyopathy 26. Also called: Cardiomyopathy, familial hypertrophic, 26. Identifiers: Orphanet 75249, MedGen C4310749, MONDO:0014883, OMIM 617047.
Myofibrillar myopathy 5. Also called: Filaminopathy (type); FILAMINOPATHY, AUTOSOMAL DOMINANT. Identifiers: Orphanet 171445, MedGen C1836050, MONDO:0012289, OMIM 609524.
Distal myopathy with posterior leg and anterior hand involvement. Also called: WILLIAMS DISTAL MYOPATHY. Identifiers: Orphanet 63273, MedGen C3279722, MONDO:0013550, OMIM 614065.

Allele frequency attached by ClinVar (database versions not stated): gnomAD exomes below 0.00001.
gnomAD v4.1: 1 of 1,613,610 alleles (0.000062%); highest among the groups gnomAD compares: Non-Finnish European, 0.000085%; no homozygotes.

Submission:

Labcorp Genetics (formerly Invitae), Labcorp
Classification: Uncertain significance for Distal myopathy with posterior leg and anterior hand involvement; Myofibrillar myopathy 5; Hypertrophic cardiomyopathy 26. Last evaluated: 2025-10-23. Review status: criteria provided, single submitter. Criteria: Invitae Variant Classification Sherloc (09022015). Collection method: clinical testing. Allele origin: germline.
Comment: This sequence change replaces phenylalanine, which is neutral and non-polar, with serine, which is neutral and polar, at codon 561 of the FLNC protein (p.Phe561Ser). This variant is not present in population databases (gnomAD no frequency). This variant has not been reported in the literature in individuals affected with FLNC-related conditions. ClinVar contains an entry for this variant (Variation ID: 2929356). Invitae Evidence Modeling of protein sequence and biophysical properties (such as structural, functional, and spatial information, amino acid conservation, physicochemical variation, residue mobility, and thermodynamic stability) has been performed for this missense variant. However, the output from this modeling did not meet the statistical confidence thresholds required to predict the impact of this variant on FLNC protein function. In summary, the available evidence is currently insufficient to determine the role of this variant in disease. Therefore, it has been classified as a Variant of Uncertain Significance.

NM_001458.5(FLNC):c.1682T>C (p.Phe561Ser)

Gene: FLNC (filamin C; plus strand). Cytogenetic location: 7q32.1.
Variant type: single nucleotide variant.
Coding change: c.1682T>C on transcript NM_001458.5 (MANE Select); coding-DNA position 1682, T replaced by C.
Protein change: p.Phe561Ser; replaces phenylalanine 561 with serine.
Molecular consequence: missense variant.
Genome position (GRCh38, 1-based): chr7:128,840,839, T>C. VCF-style: chr7-128840839-T-C. GRCh37 (hg19) VCF-style: chr7-128480893-T-C.
Other names: c.1682T>C, p.Phe561Ser (NM_001127487.2); short protein forms F561S.
Identifiers: ClinVar variation 2929356 (VCV002929356.3), dbSNP rs2536627059, ClinGen allele CA369226850.